The following is an entry in ClinVar:

NM_000020.3(ACVRL1):c.35T>C (p.Met12Thr)

Gene: ACVRL1 (activin A receptor like type 1; plus strand). Cytogenetic location: 12q13.13.
Variant type: single nucleotide variant.
Coding change: c.35T>C on transcript NM_000020.3 (MANE Select); coding-DNA position 35, T replaced by C.
Protein change: p.Met12Thr; replaces methionine 12 with threonine.
Molecular consequence: missense variant.
Genome position (GRCh38, 1-based): chr12:51,912,509, T>C. VCF-style: chr12-51912509-T-C. GRCh37 (hg19) VCF-style: chr12-52306293-T-C.
Other names: c.35T>C, p.Met12Thr (NM_001077401.2, NM_001406487.1, NM_001406488.1 and 7 more transcripts); short protein forms M12T.
Identifiers: ClinVar variation 4976343 (VCV004976343.2).

ClinVar aggregate classification (germline): Uncertain significance. Review status: criteria provided, multiple submitters, no conflicts (2 of 4 stars). 2 submissions from 2 submitters: Uncertain significance (2). Last evaluated 2026-07-26.

Conditions:
Cardiovascular phenotype. Identifiers: MedGen CN230736.

Submissions (2):

Ambry Genetics
Classification: Uncertain significance for Cardiovascular phenotype. Last evaluated: 2026-07-26. Review status: criteria provided, single submitter. Criteria: Ambry Variant Classification Scheme 2023. Collection method: clinical testing. Allele origin: germline.
Comment: The p.M12T variant (also known as c.35T>C), located in coding exon 1 of the ACVRL1 gene, results from a T to C substitution at nucleotide position 35. The methionine at codon 12 is replaced by threonine, an amino acid with similar properties. This amino acid position is conserved. In addition, the in silico prediction for this alteration is inconclusive. Based on the available evidence, the clinical significance of this variant remains unclear.

GeneDx
Classification: Uncertain significance. Last evaluated: 2026-02-08. Review status: criteria provided, single submitter. Criteria: GeneDx Variant Classification Process June 2021. Collection method: clinical testing. Allele origin: germline.
Comment: Not observed at significant frequency in large population cohorts (gnomAD); In silico analysis supports that this missense variant has a deleterious effect on protein structure/function; Has not been previously published as pathogenic or benign to our knowledge